The following is an entry in ClinVar:

NM_000057.4(BLM):c.748G>A (p.Glu250Lys)

Gene: BLM (BLM RecQ like helicase; plus strand). Cytogenetic location: 15q26.1.
Variant type: single nucleotide variant.
Coding change: c.748G>A on transcript NM_000057.4 (MANE Select); coding-DNA position 748, G replaced by A.
Protein change: p.Glu250Lys; replaces glutamic acid 250 with lysine.
Molecular consequence: missense variant. On other transcripts: 5 prime UTR variant (1).
Genome position (GRCh38, 1-based): chr15:90,750,016, G>A. VCF-style: chr15-90750016-G-A. GRCh37 (hg19) VCF-style: chr15-91293246-G-A.
Other names: c.748G>A, p.Glu250Lys (NM_001287246.2, NM_001287247.2); c.-544G>A (NM_001287248.2); short protein forms E250K.
Identifiers: ClinVar variation 3673782 (VCV003673782.2).

ClinVar aggregate classification (germline): Uncertain significance (1 of 4 stars; one submission).

Conditions:
Bloom syndrome (BLM). Also called: Bloom-Torre-Machacek syndrome. Identifiers: Orphanet 125, MedGen C0005859, MONDO:0008876, OMIM 210900.

Submission:

Labcorp Genetics (formerly Invitae), Labcorp
Classification: Uncertain significance for Bloom syndrome. Last evaluated: 2024-10-22. Review status: criteria provided, single submitter. Criteria: Invitae Variant Classification Sherloc (09022015). Collection method: clinical testing. Allele origin: germline.
Comment: This sequence change replaces glutamic acid, which is acidic and polar, with lysine, which is basic and polar, at codon 250 of the BLM protein (p.Glu250Lys). This variant is not present in population databases (gnomAD no frequency). This variant has not been reported in the literature in individuals affected with BLM-related conditions. An algorithm developed to predict the effect of missense changes on protein structure and function outputs the following: PolyPhen-2: "Benign". The lysine amino acid residue is found in multiple mammalian species, which suggests that this missense change does not adversely affect protein function. In summary, the available evidence is currently insufficient to determine the role of this variant in disease. Therefore, it has been classified as a Variant of Uncertain Significance.